The following is an entry in ClinVar:

ClinVar aggregate classification (germline): Uncertain significance (1 of 4 stars; one submission).

Submission:

Labcorp Genetics (formerly Invitae), Labcorp
Classification: Uncertain significance. Last evaluated: 2025-07-29. Review status: criteria provided, single submitter. Criteria: Invitae Variant Classification Sherloc (09022015). Collection method: clinical testing. Allele origin: germline.
Comment: This sequence change replaces serine, which is neutral and polar, with threonine, which is neutral and polar, at codon 305 of the PAX4 protein (p.Ser305Thr). This variant is not present in population databases (gnomAD no frequency). This variant has not been reported in the literature in individuals affected with PAX4-related conditions. An algorithm developed to predict the effect of missense changes on protein structure and function outputs the following: PolyPhen-2: "Benign". The threonine amino acid residue is found in multiple mammalian species, which suggests that this missense change does not adversely affect protein function. In summary, the available evidence is currently insufficient to determine the role of this variant in disease. Therefore, it has been classified as a Variant of Uncertain Significance.

NM_001366110.1(PAX4):c.937T>A (p.Ser313Thr)

Gene: PAX4 (paired box 4; minus strand). Cytogenetic location: 7q32.1.
Variant type: single nucleotide variant.
Coding change: c.937T>A on transcript NM_001366110.1 (MANE Select); coding-DNA position 937, T replaced by A.
Protein change: p.Ser313Thr; replaces serine 313 with threonine.
Molecular consequence: missense variant. On other transcripts: intron variant (1).
Genome position (GRCh38, 1-based): chr7:127,611,183, A>T on the plus strand (T>A on the coding strand, the complement: PAX4 is on the minus strand). VCF-style: chr7-127611183-A-T. GRCh37 (hg19) VCF-style: chr7-127251237-A-T.
Other names: c.914-198T>A (NM_001366111.1); short protein forms S313T.
Identifiers: ClinVar variation 4723776 (VCV004723776.1).